The following is an entry in ClinVar:

ClinVar aggregate classification (germline): Uncertain significance. Review status: criteria provided, multiple submitters, no conflicts (2 of 4 stars). 2 submissions from 2 submitters: Uncertain significance (2). Last evaluated 2021-11-07.

Conditions:
Microcephaly, normal intelligence and immunodeficiency (NBS). Also called: IMMUNODEFICIENCY, MICROCEPHALY, AND CHROMOSOMAL INSTABILITY; SEEMANOVA SYNDROME II; Immunodeficiency, microcephaly with normal intelligence; Ataxia telangiectasia variant V1; Nijmegen breakage syndrome; Microcephaly with normal intelligence immunodeficiency and lymphoreticular malignancies. Identifiers: Orphanet 647, MedGen C0398791, MONDO:0009623, OMIM 251260.

Submissions (2):

Genome-Nilou Lab
Classification: Uncertain significance for Microcephaly, normal intelligence and immunodeficiency. Last evaluated: 2021-11-07. Review status: criteria provided, single submitter. Criteria: ACMG Guidelines, 2015. Collection method: clinical testing. Allele origin: germline. Affected: no.

Labcorp Genetics (formerly Invitae), Labcorp
Classification: Uncertain significance for Microcephaly, normal intelligence and immunodeficiency. Last evaluated: 2016-12-05. Review status: criteria provided, single submitter. Criteria: Invitae Variant Classification Sherloc (09022015). Collection method: clinical testing. Allele origin: germline.
Comment: In summary, this variant is a novel missense change with uncertain impact on protein function. It has been classified as a Variant of Uncertain Significance. Algorithms developed to predict the effect of missense changes on protein structure and function do not agree on the potential impact of this missense change (SIFT: "Deleterious"; PolyPhen-2: "Probably Damaging"; Align-GVGD: "Class C0"). This variant is not present in population databases (ExAC no frequency) and has not been reported in the literature in individuals with an NBN-related disease. This sequence change replaces phenylalanine with valine at codon 659 of the NBN protein (p.Phe659Val). The phenylalanine residue is highly conserved and there is a small physicochemical difference between phenylalanine and valine.

NM_002485.5(NBN):c.1975T>G (p.Phe659Val)

Gene: NBN (nibrin; minus strand). Cytogenetic location: 8q21.3.
Variant type: single nucleotide variant.
Coding change: c.1975T>G on transcript NM_002485.5 (MANE Select); coding-DNA position 1975, T replaced by G.
Protein change: p.Phe659Val; replaces phenylalanine 659 with valine.
Molecular consequence: missense variant.
Genome position (GRCh38, 1-based): chr8:89,946,235, A>C on the plus strand (T>G on the coding strand, the complement: NBN is on the minus strand). VCF-style: chr8-89946235-A-C. GRCh37 (hg19) VCF-style: chr8-90958463-A-C.
Other names: c.1729T>G, p.Phe577Val (NM_001024688.3); short protein forms F659V, F577V.
Identifiers: ClinVar variation 411758 (VCV000411758.12), dbSNP rs1060503469, ClinGen allele CA16612653.
Genomic context (GRCh38, chr8:89,946,235, plus strand): 5'-AATCATCATTTATGCCAGATGGATTTCTGGAAGTAGAGTTTTTAATCACCAGTGATCTAA[A>C]TTCAGTCAATAACAGCTTTTTTGGAAGCATCTCACTATCATCCTGAAGTTTGTCATTGTT-3'
Protein context (NP_002476.2, residues 649-669): MLPKKLLLTE[Phe659Val]RSLVIKNSTS